The following is an entry in ClinVar:

ClinVar aggregate classification (germline): Likely pathogenic (1 of 4 stars; one submission).

Conditions:
Dilated cardiomyopathy 1G (CMD1G). Identifiers: Orphanet 154, MedGen C1858763, MONDO:0011400, OMIM 604145.
Autosomal recessive limb-girdle muscular dystrophy type 2J (LGMDR10). Also called: Limb-girdle muscular dystrophy, type 2J; MUSCULAR DYSTROPHY, LIMB-GIRDLE, AUTOSOMAL RECESSIVE 10. Identifiers: Orphanet 140922, MedGen C1837342, MONDO:0012127, OMIM 608807.

Submission:

Labcorp Genetics (formerly Invitae), Labcorp
Classification: Likely pathogenic for Dilated cardiomyopathy 1G; Autosomal recessive limb-girdle muscular dystrophy type 2J. Last evaluated: 2023-12-24. Review status: criteria provided, single submitter. Criteria: Invitae Variant Classification Sherloc (09022015). Collection method: clinical testing. Allele origin: germline.
Comment: This sequence change creates a premature translational stop signal (p.Val25197*) in the TTN gene. While this is not anticipated to result in nonsense mediated decay, it is expected to create a truncated TTN protein. This variant is not present in population databases (gnomAD no frequency). This premature translational stop signal has been observed in individual(s) with nonischemic dilated cardiomyopathy (PMID: 32998006). This variant is located in the A band of TTN (PMID: 25589632). Truncating variants in this region are significantly overrepresented in patients affected with dilated cardiomyopathy (PMID: 25589632). Truncating variants in this region have also been reported in individuals affected with autosomal recessive centronuclear myopathy (PMID: 23975875). In summary, the currently available evidence indicates that the variant is pathogenic, but additional data are needed to prove that conclusively. Therefore, this variant has been classified as Likely Pathogenic.

Literature cited by the submitters: PubMed 32998006; PubMed 25589632; PubMed 23975875.

NM_001267550.2(TTN):c.75589del (p.Thr25196_Val25197insTer)

Genes: TTN (titin; minus strand), TTN-AS1 (TTN antisense RNA 1; plus strand). Cytogenetic location: 2q31.2.
Variant type: Deletion.
Coding change: c.75589del on transcript NM_001267550.2 (MANE Select); coding-DNA position 75589, one base deleted (G; older notation c.75589delG).
Protein change: p.Thr25196_Val25197insTer.
Molecular consequence: nonsense.
Genome position (GRCh38, 1-based): chr2:178,570,543, C deleted on the plus strand (G on the coding strand, the reverse complement: TTN is on the minus strand). VCF-style (leftmost placement, unchanged base first): chr2-178570542-AC-A. GRCh37 (hg19) VCF-style: chr2-179435269-AC-A.
Other names: c.70666del, p.Thr23555_Val23556insTer (NM_001256850.1); c.48394del, p.Thr16131_Val16132insTer (NM_003319.4); c.67885del, p.Thr22628_Val22629insTer (NM_133378.4); c.48769del, p.Thr16256_Val16257insTer (NM_133432.3); c.48970del, p.Thr16323_Val16324insTer (NM_133437.4).
Identifiers: ClinVar variation 2938078 (VCV002938078.3), dbSNP rs2468455110, ClinGen allele CA2586965220.